The following is an entry in ClinVar:

ClinVar aggregate classification (germline): Uncertain significance. Review status: criteria provided, multiple submitters, no conflicts (2 of 4 stars). 2 submissions from 2 submitters: Uncertain significance (2). Last evaluated 2024-07-10.

Conditions:
Bethlem myopathy 1A. Also called: Bethlem myopathy 1; Bethlem Muscular Dystrophy; MYOPATHY, BENIGN CONGENITAL, WITH CONTRACTURES. Identifiers: Orphanet 610, MedGen CN029274, MONDO:0024530, OMIM 158810.

Allele frequency attached by ClinVar (database versions not stated): gnomAD 0.00001; gnomAD exomes 0.00001; TOPMed 0.00001.
gnomAD v4.1: 8 of 1,601,322 alleles (0.0005%); highest among the groups gnomAD compares: African/African-American, 0.0013%; no homozygotes.

Submissions (2):

Revvity Omics, Revvity
Classification: Uncertain significance. Last evaluated: 2024-07-10. Review status: criteria provided, single submitter. Criteria: ACMG Guidelines, 2015. Collection method: clinical testing. Allele origin: germline.

Labcorp Genetics (formerly Invitae), Labcorp
Classification: Uncertain significance for Bethlem myopathy 1A. Last evaluated: 2021-05-13. Review status: criteria provided, single submitter. Criteria: Invitae Variant Classification Sherloc (09022015). Collection method: clinical testing. Allele origin: germline.
Comment: In summary, the available evidence is currently insufficient to determine the role of this variant in disease. Therefore, it has been classified as a Variant of Uncertain Significance. This sequence change replaces glutamic acid with lysine at codon 2312 of the COL6A3 protein (p.Glu2312Lys). The glutamic acid residue is moderately conserved and there is a small physicochemical difference between glutamic acid and lysine. This variant is not present in population databases (ExAC no frequency). This variant has not been reported in the literature in individuals with COL6A3-related conditions. Advanced modeling of protein sequence and biophysical properties (such as structural, functional, and spatial information, amino acid conservation, physicochemical variation, residue mobility, and thermodynamic stability) performed at Invitae indicates that this missense variant is not expected to disrupt COL6A3 protein function.

NM_004369.4(COL6A3):c.6934G>A (p.Glu2312Lys)

Gene: COL6A3 (collagen type VI alpha 3 chain; minus strand). Cytogenetic location: 2q37.3.
Variant type: single nucleotide variant.
Coding change: c.6934G>A on transcript NM_004369.4 (MANE Select); coding-DNA position 6934, G replaced by A.
Protein change: p.Glu2312Lys; replaces glutamic acid 2312 with lysine.
Molecular consequence: missense variant.
Genome position (GRCh38, 1-based): chr2:237,348,381, C>T on the plus strand (G>A on the coding strand, the complement: COL6A3 is on the minus strand). VCF-style: chr2-237348381-C-T. GRCh37 (hg19) VCF-style: chr2-238257024-C-T.
Other names: c.5113G>A, p.Glu1705Lys (NM_057166.5); c.6316G>A, p.Glu2106Lys (NM_057167.4); short protein forms E1705K, E2106K, E2312K.
Identifiers: ClinVar variation 1492664 (VCV001492664.9), dbSNP rs1282952198, ClinGen allele CA351208176.